The following is an entry in ClinVar:

NM_001101426.4(CRPPA):c.686G>A (p.Cys229Tyr)

Gene: CRPPA (CDP-L-ribitol pyrophosphorylase A; minus strand). Cytogenetic location: 7p21.2.
Variant type: single nucleotide variant.
Coding change: c.686G>A on transcript NM_001101426.4 (MANE Select); coding-DNA position 686, G replaced by A.
Protein change: p.Cys229Tyr; replaces cysteine 229 with tyrosine.
Molecular consequence: missense variant. On other transcripts: intron variant (1).
Genome position (GRCh38, 1-based): chr7:16,308,626, C>T on the plus strand (G>A on the coding strand, the complement: CRPPA is on the minus strand). VCF-style: chr7-16308626-C-T. GRCh37 (hg19) VCF-style: chr7-16348251-C-T.
Other names: c.536G>A, p.Cys179Tyr (NM_001101417.4); c.685-7160G>A (NM_001368197.1); short protein forms C179Y, C229Y.
Identifiers: ClinVar variation 1680774 (VCV001680774.8), dbSNP rs2128424737, ClinGen allele CA367001787.

ClinVar aggregate classification (germline): Uncertain significance (1 of 4 stars; one submission).

Conditions:
Muscular dystrophy-dystroglycanopathy (congenital with brain and eye anomalies), type A, 7. Also called: WALKER-WARBURG SYNDROME OR MUSCLE-EYE-BRAIN DISEASE, ISPD-RELATED; Congenital muscular dystrophy-dystroglycanopathy with brain and eye anomalies, type A7. Identifiers: Orphanet 899, MedGen C3553330, MONDO:0013835, OMIM 614643.
Autosomal recessive limb-girdle muscular dystrophy type 2U. Also called: Muscular dystrophy-dystroglycanopathy (limb-girdle), type c, 7; MUSCULAR DYSTROPHY, LIMB-GIRDLE, TYPE 2U. Identifiers: Orphanet 352479, MedGen C5190987, MONDO:0014474, OMIM 616052.

Allele frequency attached by ClinVar (database versions not stated): gnomAD exomes below 0.00001.
gnomAD v4.1: 1 of 1,566,002 alleles (0.000064%); highest among the groups gnomAD compares: South Asian, 0.0011%; no homozygotes.

Submission:

Labcorp Genetics (formerly Invitae), Labcorp
Classification: Uncertain significance for Muscular dystrophy-dystroglycanopathy (congenital with brain and eye anomalies), type A, 7; Autosomal recessive limb-girdle muscular dystrophy type 2U. Last evaluated: 2021-01-26. Review status: criteria provided, single submitter. Criteria: Invitae Variant Classification Sherloc (09022015). Collection method: clinical testing. Allele origin: germline.
Comment: In summary, the available evidence is currently insufficient to determine the role of this variant in disease. Therefore, it has been classified as a Variant of Uncertain Significance. Algorithms developed to predict the effect of missense changes on protein structure and function (SIFT, PolyPhen-2, Align-GVGD) all suggest that this variant is likely to be disruptive, but these predictions have not been confirmed by published functional studies and their clinical significance is uncertain. This variant has not been reported in the literature in individuals with ISPD-related conditions. This variant is not present in population databases (ExAC no frequency). This sequence change replaces cysteine with tyrosine at codon 229 of the ISPD protein (p.Cys229Tyr). The cysteine residue is highly conserved and there is a large physicochemical difference between cysteine and tyrosine.